The following is an entry in ClinVar:

ClinVar aggregate classification (germline): Uncertain significance. Review status: criteria provided, multiple submitters, no conflicts (2 of 4 stars). 2 submissions from 2 submitters: Uncertain significance (2). Last evaluated 2025-12-11.

Conditions:
Inborn genetic diseases. Identifiers: MedGen C0950123, MeSH D030342.
Combined immunodeficiency due to DOCK8 deficiency (HIES2). Also called: HIES autosomal recessive; DOCK8 Deficiency; Hyper-IgE recurrent infection syndrome, autosomal recessive; HYPER-IgE RECURRENT INFECTION SYNDROME 2, AUTOSOMAL RECESSIVE; HYPER-IgE SYNDROME 2, AUTOSOMAL RECESSIVE, WITH RECURRENT INFECTIONS. Identifiers: Orphanet 217390, MedGen C4722305, MONDO:0009478, OMIM 243700.

Allele frequency attached by ClinVar (database versions not stated): TOPMed below 0.00001; ExAC 0.00001; gnomAD exomes 0.00001 and 0.00002.
gnomAD v4.1: 25 of 1,614,036 alleles (0.0015%); highest among the groups gnomAD compares: Non-Finnish European, 0.002%; no homozygotes.

Submissions (2):

Labcorp Genetics (formerly Invitae), Labcorp
Classification: Uncertain significance for Combined immunodeficiency due to DOCK8 deficiency. Last evaluated: 2025-12-11. Review status: criteria provided, single submitter. Criteria: Invitae Variant Classification Sherloc (09022015). Collection method: clinical testing. Allele origin: germline.
Comment: This sequence change replaces arginine, which is basic and polar, with glutamine, which is neutral and polar, at codon 1004 of the DOCK8 protein (p.Arg1004Gln). This variant is present in population databases (rs778196359, gnomAD 0.002%). This variant has not been reported in the literature in individuals affected with DOCK8-related conditions. ClinVar contains an entry for this variant (Variation ID: 960829). Invitae Evidence Modeling of protein sequence and biophysical properties (such as structural, functional, and spatial information, amino acid conservation, physicochemical variation, residue mobility, and thermodynamic stability) indicates that this missense variant is not expected to disrupt DOCK8 protein function with a negative predictive value of 80%. In summary, the available evidence is currently insufficient to determine the role of this variant in disease. Therefore, it has been classified as a Variant of Uncertain Significance.

Ambry Genetics
Classification: Uncertain significance for Inborn genetic diseases. Last evaluated: 2024-11-19. Review status: criteria provided, single submitter. Criteria: Ambry Variant Classification Scheme 2023. Collection method: clinical testing. Allele origin: germline.

NM_203447.4(DOCK8):c.3011G>A (p.Arg1004Gln)

Gene: DOCK8 (dedicator of cytokinesis 8; plus strand). Cytogenetic location: 9p24.3.
Variant type: single nucleotide variant.
Coding change: c.3011G>A on transcript NM_203447.4 (MANE Select); coding-DNA position 3011, G replaced by A.
Protein change: p.Arg1004Gln; replaces arginine 1004 with glutamine.
Molecular consequence: missense variant.
Genome position (GRCh38, 1-based): chr9:396,825, G>A. VCF-style: chr9-396825-G-A. GRCh37 (hg19) VCF-style: chr9-396825-G-A.
Other names: c.2711G>A, p.Arg904Gln (NM_001190458.2); c.2807G>A, p.Arg936Gln (NM_001193536.2); short protein forms R936Q, R1004Q, R904Q.
Identifiers: ClinVar variation 960829 (VCV000960829.9), dbSNP rs778196359, ClinGen allele CA4958469.